The following is an entry in ClinVar:

NM_033380.3(COL4A5):c.629G>A (p.Gly210Glu)

Gene: COL4A5 (collagen type IV alpha 5 chain; plus strand). Cytogenetic location: Xq22.3.
Variant type: single nucleotide variant.
Coding change: c.629G>A on transcript NM_033380.3 (MANE Select); coding-DNA position 629, G replaced by A.
Protein change: p.Gly210Glu; replaces glycine 210 with glutamic acid.
Molecular consequence: missense variant.
Genome position (GRCh38, 1-based): chrX:108,577,971, G>A. VCF-style: chrX-108577971-G-A. GRCh37 (hg19) VCF-style: chrX-107821201-G-A.
Other names: c.629G>A, p.Gly210Glu (NM_000495.5); short protein forms G210E.
Identifiers: ClinVar variation 2780479 (VCV002780479.4), dbSNP rs2147770199, ClinGen allele CA413923124.

ClinVar aggregate classification (germline): Pathogenic/Likely pathogenic. Review status: criteria provided, multiple submitters, no conflicts (2 of 4 stars). 2 submissions from 2 submitters: Pathogenic (1); Likely pathogenic (1). Last evaluated 2025-08-04.

Conditions:
X-linked Alport syndrome (ATS1). Also called: NEPHROPATHY AND DEAFNESS, X-LINKED; COL4A5-Related Nephropathy. Identifiers: Orphanet 63, Orphanet 88917, MedGen C4746986, MONDO:0010520, OMIM 301050.

Submissions (2):

Myriad Genetics, Inc.
Classification: Likely pathogenic for X-linked Alport syndrome. Last evaluated: 2025-08-04. Review status: criteria provided, single submitter. Criteria: Myriad Autosomal Dominant, Autosomal Recessive and X-Linked Classification Criteria (2023). Collection method: clinical testing. Allele origin: unknown.
Comment: NM_000495.4(COL4A5):c.629G>A(G210E) is a missense variant classified as likely pathogenic in the context of X-linked Alport syndrome. G210E has been observed in a case with relevant disease (PMID: 33330536). Relevant functional assessments of this variant are not available in the literature. Internal structural analysis of the variant is supportive of pathogenicity. G210E has not been observed in referenced population frequency databases. In summary, NM_000495.4(COL4A5):c.629G>A(G210E) is a missense variant that has internal structural support for pathogenicity and has been observed more frequently in cases with the relevant disease than in healthy populations. Please note: this variant was assessed in the context of healthy population screening.

Labcorp Genetics (formerly Invitae), Labcorp
Classification: Pathogenic. Last evaluated: 2023-09-12. Review status: criteria provided, single submitter. Criteria: Invitae Variant Classification Sherloc (09022015). Collection method: clinical testing. Allele origin: germline.
Comment: This sequence change replaces glycine, which is neutral and non-polar, with glutamic acid, which is acidic and polar, at codon 210 of the COL4A5 protein (p.Gly210Glu). This variant is not present in population databases (gnomAD no frequency). For these reasons, this variant has been classified as Pathogenic. This variant disrupts the triple helix domain of COL4A5. Glycine residues within the Gly-Xaa-Yaa repeats of the triple helix domain are required for the structure and stability of fibrillar collagens (PMID: 7695699, 8218237, 19344236). In COL4A5, missense variants at these glycine residues are significantly enriched in individuals with disease (PMID: 23720012, 27627812) compared to the general population (ExAC). Advanced modeling of protein sequence and biophysical properties (such as structural, functional, and spatial information, amino acid conservation, physicochemical variation, residue mobility, and thermodynamic stability) performed at Invitae indicates that this missense variant is expected to disrupt COL4A5 protein function. This missense change has been observed in individuals with Alport syndrome (PMID: 33330536; Invitae).

Literature cited by the submitters: PubMed 33330536 (cited by Myriad Genetics, Inc. and Labcorp Genetics (formerly Invitae), Labcorp); PubMed 7695699 (cited by Labcorp Genetics (formerly Invitae), Labcorp); PubMed 8218237 (cited by Labcorp Genetics (formerly Invitae), Labcorp); PubMed 19344236 (cited by Labcorp Genetics (formerly Invitae), Labcorp); PubMed 23720012 (cited by Labcorp Genetics (formerly Invitae), Labcorp); PubMed 27627812 (cited by Labcorp Genetics (formerly Invitae), Labcorp).